The following is an entry in ClinVar:

ClinVar aggregate classification (germline): Pathogenic/Likely pathogenic. Review status: criteria provided, multiple submitters, no conflicts (2 of 4 stars). 2 submissions from 2 submitters: Pathogenic (1); Likely pathogenic (1). Last evaluated 2022-02-04.

Conditions:
P3H2-related disorders.

Submissions (2):

Labcorp Genetics (formerly Invitae), Labcorp
Classification: Pathogenic. Last evaluated: 2022-02-04. Review status: criteria provided, single submitter. Criteria: Invitae Variant Classification Sherloc (09022015). Collection method: clinical testing. Allele origin: germline.
Comment: ClinVar contains an entry for this variant (Variation ID: 937866). For these reasons, this variant has been classified as Pathogenic. This variant has not been reported in the literature in individuals affected with P3H2-related conditions. This variant is not present in population databases (gnomAD no frequency). This sequence change creates a premature translational stop signal (p.Gln126*) in the P3H2 gene. It is expected to result in an absent or disrupted protein product. Loss-of-function variants in P3H2 are known to be pathogenic (PMID: 24172257, 25469533).

Blueprint Genetics
Classification: Likely pathogenic for P3H2-related disorders. Last evaluated: 2019-10-11. Review status: criteria provided, single submitter. Criteria: ACMG Guidelines, 2015. Collection method: clinical testing. Allele origin: germline. Affected: yes. Observed: 1 variant allele.

Literature cited by the submitters: PubMed 24172257 (cited by Labcorp Genetics (formerly Invitae), Labcorp); PubMed 25469533 (cited by Labcorp Genetics (formerly Invitae), Labcorp).

NM_018192.4(P3H2):c.376C>T (p.Gln126Ter)

Gene: P3H2 (prolyl 3-hydroxylase 2; minus strand). Cytogenetic location: 3q28.
Variant type: single nucleotide variant.
Coding change: c.376C>T on transcript NM_018192.4 (MANE Select); coding-DNA position 376, C replaced by T.
Protein change: p.Gln126Ter; replaces glutamine 126 with a stop codon.
Molecular consequence: nonsense. On other transcripts: intron variant (1).
Genome position (GRCh38, 1-based): chr3:190,120,356, G>A on the plus strand (C>T on the coding strand, the complement: P3H2 is on the minus strand). VCF-style: chr3-190120356-G-A. GRCh37 (hg19) VCF-style: chr3-189838145-G-A.
Other names: c.-64+1847C>T (NM_001134418.2); short protein forms Q126*.
Identifiers: ClinVar variation 937866 (VCV000937866.7), dbSNP rs1265306168, ClinGen allele CA355859605.